The following is an entry in ClinVar:

NM_001174150.2(ARL13B):c.-263C>T

Gene: ARL13B (ARF like GTPase 13B; plus strand). Cytogenetic location: 3q11.1.
Variant type: single nucleotide variant.
Coding change: c.-263C>T on transcript NM_001174150.2 (MANE Select); 263 bases upstream of the start codon, C replaced by T.
Molecular consequence: 5 prime UTR variant. On other transcripts: non-coding transcript variant (2).
Genome position (GRCh38, 1-based): chr3:93,980,161, C>T. VCF-style: chr3-93980161-C-T. GRCh37 (hg19) VCF-style: chr3-93699005-C-T.
Other names: c.-501C>T (NM_001174151.2); c.-430C>T (NM_001321328.2); c.-263C>T (NM_144996.4, NM_182896.3).
Identifiers: ClinVar variation 346901 (VCV000346901.3), dbSNP rs143828740, ClinGen allele CA2503660.
Genomic context (GRCh38, chr3:93,980,161, plus strand): 5'-TTGCCTGGGGAACGCCTTCCGCGCCTCGAAGTAACGTCAGCACGTCGACGCGGGGCTTTT[C>T]TTTAGCCGGGTCCCGCTAACTCGGCTACGGTGTATCTGCGTCTTTGGTCAGGTTGTTCCT-3'

ClinVar aggregate classification (germline): Likely benign. Review status: criteria provided, multiple submitters, no conflicts (2 of 4 stars). 2 submissions from 2 submitters: Likely benign (2). Last evaluated 2018-06-19.

Allele frequency attached by ClinVar (database versions not stated): TOPMed 0.00733; ExAC 0.02004; gnomAD exomes 0.00680; gnomAD 0.00693 and 0.00702; 1000 Genomes Project 0.00260; 1000 Genomes Project 30x 0.00281.
gnomAD v4.1: 4,800 of 634,016 alleles (0.76%); highest among the groups gnomAD compares: Non-Finnish European, 1.1%; 30 homozygotes.

Submissions (2):

GeneDx
Classification: Likely benign. Last evaluated: 2018-06-19. Review status: criteria provided, single submitter. Criteria: GeneDx Variant Classification (06012015). Collection method: clinical testing. Allele origin: germline. Affected: yes.
Comment: This variant is considered likely benign or benign based on one or more of the following criteria: it is a conservative change, it occurs at a poorly conserved position in the protein, it is predicted to be benign by multiple in silico algorithms, and/or has population frequency not consistent with disease.

Breakthrough Genomics
Classification: Likely benign. Review status: criteria provided, single submitter. Criteria: ACMG Guidelines, 2015. Collection method: not provided. Allele origin: germline. Inheritance: Autosomal recessive inheritance. Affected: yes.